The following is an entry in ClinVar:

ClinVar aggregate classification (germline): Uncertain significance (1 of 4 stars; one submission).

gnomAD v4.1: 1 of 1,527,588 alleles (0.000065%); highest among the groups gnomAD compares: Non-Finnish European, 0.00009%; no homozygotes.

Submission:

Labcorp Genetics (formerly Invitae), Labcorp
Classification: Uncertain significance. Last evaluated: 2025-11-17. Review status: criteria provided, single submitter. Criteria: Invitae Variant Classification Sherloc (09022015). Collection method: clinical testing. Allele origin: germline.
Comment: This sequence change falls in intron 8 of the POLR1A gene. It does not directly change the encoded amino acid sequence of the POLR1A protein. It affects a nucleotide within the consensus splice site. This variant is not present in population databases (gnomAD no frequency). This variant has not been reported in the literature in individuals affected with POLR1A-related conditions. Variants that disrupt the consensus splice site are a relatively common cause of aberrant splicing (PMID: 17576681, 9536098). Algorithms developed to predict the effect of sequence changes on RNA splicing suggest that this variant is not likely to affect RNA splicing. In summary, the available evidence is currently insufficient to determine the role of this variant in disease. Therefore, it has been classified as a Variant of Uncertain Significance.

Literature cited by the submitters: PubMed 17576681; PubMed 9536098.

NM_015425.6(POLR1A):c.923+6A>T

Gene: POLR1A (RNA polymerase I subunit A; minus strand). Cytogenetic location: 2p11.2.
Variant type: single nucleotide variant.
Coding change: c.923+6A>T on transcript NM_015425.6 (MANE Select); 6 bases into the intron after coding-DNA position 923, A replaced by T.
Molecular consequence: intron variant.
Genome position (GRCh38, 1-based): chr2:86,081,595, T>A on the plus strand (A>T on the coding strand, the complement: POLR1A is on the minus strand). VCF-style: chr2-86081595-T-A. GRCh37 (hg19) VCF-style: chr2-86308718-T-A.
Identifiers: ClinVar variation 4799517 (VCV004799517.1).